The following is an entry in ClinVar:

ClinVar aggregate classification (germline): Conflicting classifications of pathogenicity. Review status: criteria provided, conflicting classifications (1 of 4 stars). 2 submissions from 2 submitters: Likely pathogenic (1); Uncertain significance (1). Last evaluated 2022-10-23.

Conditions:
GRIN2A-Related Disorders. Identifiers: MedGen CN381066.
Landau-Kleffner syndrome (FESD). Also called: EPILEPSY, FOCAL, WITH SPEECH DISORDER AND WITH OR WITHOUT MENTAL RETARDATION; APHASIA, ACQUIRED, WITH EPILEPSY. Identifiers: Orphanet 1945, Orphanet 725, Orphanet 98818, MedGen C0282512, MONDO:0009509, OMIM 245570.

Submissions (2):

Labcorp Genetics (formerly Invitae), Labcorp
Classification: Uncertain significance for Landau-Kleffner syndrome. Last evaluated: 2022-10-23. Review status: criteria provided, single submitter. Criteria: Invitae Variant Classification Sherloc (09022015). Collection method: clinical testing. Allele origin: germline.
Comment: In summary, the available evidence is currently insufficient to determine the role of this variant in disease. Therefore, it has been classified as a Variant of Uncertain Significance. Advanced modeling of protein sequence and biophysical properties (such as structural, functional, and spatial information, amino acid conservation, physicochemical variation, residue mobility, and thermodynamic stability) performed at Invitae indicates that this missense variant is expected to disrupt GRIN2A protein function. This variant has not been reported in the literature in individuals affected with GRIN2A-related conditions. This variant is not present in population databases (gnomAD no frequency). This sequence change replaces alanine, which is neutral and non-polar, with glycine, which is neutral and non-polar, at codon 647 of the GRIN2A protein (p.Ala647Gly).

Blueprint Genetics
Classification: Likely pathogenic for GRIN2A-related disorders. Last evaluated: 2022-06-20. Review status: criteria provided, single submitter. Criteria: ACMG Guidelines, 2015. Collection method: clinical testing. Allele origin: de novo. Affected: yes. Observed: 1 variant allele.

NM_001134407.3(GRIN2A):c.1940C>G (p.Ala647Gly)

Gene: GRIN2A (glutamate ionotropic receptor NMDA type subunit 2A; minus strand). Cytogenetic location: 16p13.2.
Variant type: single nucleotide variant.
Coding change: c.1940C>G on transcript NM_001134407.3 (MANE Select); coding-DNA position 1940, C replaced by G.
Protein change: p.Ala647Gly; replaces alanine 647 with glycine.
Molecular consequence: missense variant.
Genome position (GRCh38, 1-based): chr16:9,829,490, G>C on the plus strand (C>G on the coding strand, the complement: GRIN2A is on the minus strand). VCF-style: chr16-9829490-G-C. GRCh37 (hg19) VCF-style: chr16-9923347-G-C.
Other names: c.1940C>G, p.Ala647Gly (NM_000833.5, NM_001134408.2); short protein forms A647G.
Identifiers: ClinVar variation 1722095 (VCV001722095.7), dbSNP rs2141312356, ClinGen allele CA394799326.